The following is an entry in ClinVar:

ClinVar aggregate classification (germline): Uncertain significance (1 of 4 stars; one submission).

Conditions:
Primary ciliary dyskinesia. Also called: Ciliary dyskinesia. Identifiers: Orphanet 244, MedGen C0008780, MONDO:0016575, HP:0012265.

Allele frequency attached by ClinVar (database versions not stated): gnomAD exomes 0.00001.
gnomAD v4.1: 5 of 1,151,192 alleles (0.00043%); highest among the groups gnomAD compares: Non-Finnish European, 0.00059%; no homozygotes.

Submission:

Labcorp Genetics (formerly Invitae), Labcorp
Classification: Uncertain significance for Primary ciliary dyskinesia. Last evaluated: 2023-06-11. Review status: criteria provided, single submitter. Criteria: Invitae Variant Classification Sherloc (09022015). Collection method: clinical testing. Allele origin: germline.
Comment: This variant has not been reported in the literature in individuals affected with RPGR-related conditions. Advanced modeling of protein sequence and biophysical properties (such as structural, functional, and spatial information, amino acid conservation, physicochemical variation, residue mobility, and thermodynamic stability) has been performed at Invitae for this missense variant, however the output from this modeling did not meet the statistical confidence thresholds required to predict the impact of this variant on RPGR protein function. In summary, the available evidence is currently insufficient to determine the role of this variant in disease. Therefore, it has been classified as a Variant of Uncertain Significance. This variant is not present in population databases (gnomAD no frequency). This sequence change replaces threonine, which is neutral and polar, with proline, which is neutral and non-polar, at codon 496 of the RPGR protein (p.Thr496Pro).

NM_001034853.2(RPGR):c.1486A>C (p.Thr496Pro)

Gene: RPGR (retinitis pigmentosa GTPase regulator; minus strand). Cytogenetic location: Xp11.4.
Variant type: single nucleotide variant.
Coding change: c.1486A>C on transcript NM_001034853.2 (MANE Select); coding-DNA position 1486, A replaced by C.
Protein change: p.Thr496Pro; replaces threonine 496 with proline.
Molecular consequence: missense variant. On other transcripts: non-coding transcript variant (5).
Genome position (GRCh38, 1-based): chrX:38,291,413, T>G on the plus strand (A>C on the coding strand, the complement: RPGR is on the minus strand). VCF-style: chrX-38291413-T-G. GRCh37 (hg19) VCF-style: chrX-38150666-T-G.
Other names: c.1486A>C, p.Thr496Pro (NM_000328.3, NM_001367247.1); c.1483A>C, p.Thr495Pro (NM_001367245.1, NM_001367249.1, NM_001367250.1); c.1300A>C, p.Thr434Pro (NM_001367246.1, NM_001367251.1); c.1516A>C, p.Thr506Pro (NM_001367248.1); short protein forms T496P, T506P, T495P, T434P.
Identifiers: ClinVar variation 2711863 (VCV002711863.3), dbSNP rs2519808415, ClinGen allele CA412737764.